The following is an entry in ClinVar:

NM_001453.3(FOXC1):c.695C>T (p.Thr232Met)

Gene: FOXC1 (forkhead box C1; plus strand). Cytogenetic location: 6p25.3.
Variant type: single nucleotide variant.
Coding change: c.695C>T on transcript NM_001453.3 (MANE Select); coding-DNA position 695, C replaced by T.
Protein change: p.Thr232Met; replaces threonine 232 with methionine.
Molecular consequence: missense variant.
Genome position (GRCh38, 1-based): chr6:1,611,140, C>T. VCF-style: chr6-1611140-C-T. GRCh37 (hg19) VCF-style: chr6-1611375-C-T.
Other names: short protein forms T232M.
Identifiers: ClinVar variation 858200 (VCV000858200.9), dbSNP rs1762534255, ClinGen allele CA362559382.

ClinVar aggregate classification (germline): Uncertain significance (1 of 4 stars; one submission).

Conditions:
Axenfeld-Rieger syndrome type 3 (RIEG3). Also called: AXENFELD-RIEGER ANOMALY WITH CARDIAC DEFECTS AND/OR SENSORINEURAL HEARING LOSS. Identifiers: Orphanet 782, MedGen C2678503, MONDO:0011233, OMIM 602482.

Allele frequency attached by ClinVar (database versions not stated): gnomAD exomes below 0.00001; gnomAD 0.00001.

Submission:

Labcorp Genetics (formerly Invitae), Labcorp
Classification: Uncertain significance for Axenfeld-Rieger syndrome type 3. Last evaluated: 2019-12-04. Review status: criteria provided, single submitter. Criteria: Invitae Variant Classification Sherloc (09022015). Collection method: clinical testing. Allele origin: germline.
Comment: In summary, the available evidence is currently insufficient to determine the role of this variant in disease. Therefore, it has been classified as a Variant of Uncertain Significance. This variant has not been reported in the literature in individuals with FOXC1-related conditions. The frequency data for this variant in the population databases is considered unreliable, as metrics indicate insufficient coverage at this position in the ExAC database. This sequence change replaces threonine with methionine at codon 232 of the FOXC1 protein (p.Thr232Met). The threonine residue is highly conserved and there is a moderate physicochemical difference between threonine and methionine. Algorithms developed to predict the effect of missense changes on protein structure and function (SIFT, PolyPhen-2, Align-GVGD) all suggest that this variant is likely to be disruptive, but these predictions have not been confirmed by published functional studies and their clinical significance is uncertain.